The following is an entry in ClinVar:

NM_001035.3(RYR2):c.2056G>A (p.Val686Met)

Gene: RYR2 (ryanodine receptor 2; plus strand). Cytogenetic location: 1q43.
Variant type: single nucleotide variant.
Coding change: c.2056G>A on transcript NM_001035.3 (MANE Select); coding-DNA position 2056, G replaced by A.
Protein change: p.Val686Met; replaces valine 686 with methionine.
Molecular consequence: missense variant.
Genome position (GRCh38, 1-based): chr1:237,496,605, G>A. VCF-style: chr1-237496605-G-A. GRCh37 (hg19) VCF-style: chr1-237659905-G-A.
Other names: c.2056G>A, p.Val686Met (LRG_402t1); short protein forms V686M.
Identifiers: ClinVar variation 404185 (VCV000404185.11), dbSNP rs1060500139, ClinGen allele CA16610007.

ClinVar aggregate classification (germline): Uncertain significance. Review status: criteria provided, multiple submitters, no conflicts (2 of 4 stars). 2 submissions from 2 submitters: Uncertain significance (2). Last evaluated 2024-05-30.

Conditions:
Catecholaminergic polymorphic ventricular tachycardia (CVPT). Also called: Catecholamine-induced polymorphic ventricular tachycardia. Identifiers: Orphanet 3286, MedGen C5574922, MONDO:0017990.
Catecholaminergic polymorphic ventricular tachycardia 1. Also called: VENTRICULAR TACHYCARDIA, CATECHOLAMINERGIC POLYMORPHIC, 1, WITH OR WITHOUT ATRIAL DYSFUNCTION AND/OR DILATED CARDIOMYOPATHY; RYR2-Related Catecholaminergic Polymorphic Ventricular Tachycardia; VENTRICULAR TACHYCARDIA, STRESS-INDUCED POLYMORPHIC 1. Identifiers: Orphanet 3286, MedGen C1631597, MONDO:0011484, OMIM 604772.

Allele frequency attached by ClinVar (database versions not stated): gnomAD exomes below 0.00001.
gnomAD v4.1: 3 of 1,613,962 alleles (0.00019%); highest among the groups gnomAD compares: Non-Finnish European, 0.00025%; no homozygotes.

Submissions (2):

All of Us Research Program, National Institutes of Health
Classification: Uncertain significance for Catecholaminergic polymorphic ventricular tachycardia. Last evaluated: 2024-05-30. Review status: criteria provided, single submitter. Criteria: ACMG Guidelines, 2015. Collection method: clinical testing. Allele origin: germline. Inheritance: Autosomal dominant inheritance. Observed: 1 variant allele, 1 heterozygote.
Comment: This missense variant replaces valine with methionine at codon 686 of the RYR2 protein. Computational prediction is inconclusive regarding the impact of this variant on protein structure and function (internally defined REVEL score threshold 0.5 < inconclusive < 0.7, PMID: 27666373). To our knowledge, functional studies have not been reported for this variant. This variant has not been reported in individuals affected with RYR2-related disorders in the literature. This variant has not been identified in the general population by the Genome Aggregation Database (gnomAD). The available evidence is insufficient to determine the role of this variant in disease conclusively. Therefore, this variant is classified as a Variant of Uncertain Significance.

This study involves interpretation of variants in research participants for the purpose of population health screening. Participant phenotype was not available at the time of variant classification. Additional details can be found in publication PMID: 35346344, PMCID: PMC8962531

Labcorp Genetics (formerly Invitae), Labcorp
Classification: Uncertain significance for Catecholaminergic polymorphic ventricular tachycardia 1. Last evaluated: 2021-12-22. Review status: criteria provided, single submitter. Criteria: Invitae Variant Classification Sherloc (09022015). Collection method: clinical testing. Allele origin: germline.
Comment: In summary, the available evidence is currently insufficient to determine the role of this variant in disease. Therefore, it has been classified as a Variant of Uncertain Significance. Algorithms developed to predict the effect of missense changes on protein structure and function are either unavailable or do not agree on the potential impact of this missense change (SIFT: "Deleterious"; PolyPhen-2: "Possibly Damaging"; Align-GVGD: "Class C15"). ClinVar contains an entry for this variant (Variation ID: 404185). This variant has not been reported in the literature in individuals affected with RYR2-related conditions. This variant is not present in population databases (gnomAD no frequency). This sequence change replaces valine, which is neutral and non-polar, with methionine, which is neutral and non-polar, at codon 686 of the RYR2 protein (p.Val686Met).